The following is an entry in ClinVar:

ClinVar aggregate classification (germline): Uncertain significance (1 of 4 stars; one submission).

Conditions:
Ehlers-Danlos syndrome, classic type, 1 (EDSCL1). Also called: EHLERS-DANLOS SYNDROME, GRAVIS TYPE; EHLERS-DANLOS SYNDROME, SEVERE CLASSIC TYPE; Ehlers-Danlos syndrome, type 1; Ehlers-Danlos Syndrome, Classic Type, COL5A1-Related; EDS I. Identifiers: MedGen C0268335, MONDO:0019567, OMIM 130000.

gnomAD v4.1: 1 of 1,612,860 alleles (0.000062%); highest among the groups gnomAD compares: Non-Finnish European, 0.000085%; no homozygotes.

Submission:

Labcorp Genetics (formerly Invitae), Labcorp
Classification: Uncertain significance for Ehlers-Danlos syndrome, classic type, 1. Last evaluated: 2025-12-14. Review status: criteria provided, single submitter. Criteria: Invitae Variant Classification Sherloc (09022015). Collection method: clinical testing. Allele origin: germline.
Comment: This sequence change replaces threonine, which is neutral and polar, with alanine, which is neutral and non-polar, at codon 326 of the COL5A2 protein (p.Thr326Ala). This variant is not present in population databases (gnomAD no frequency). This variant has not been reported in the literature in individuals affected with COL5A2-related conditions. Invitae Evidence Modeling of protein sequence and biophysical properties (such as structural, functional, and spatial information, amino acid conservation, physicochemical variation, residue mobility, and thermodynamic stability) indicates that this missense variant is not expected to disrupt COL5A2 protein function with a negative predictive value of 80%. In summary, the available evidence is currently insufficient to determine the role of this variant in disease. Therefore, it has been classified as a Variant of Uncertain Significance.

NM_000393.5(COL5A2):c.976A>G (p.Thr326Ala)

Gene: COL5A2 (collagen type V alpha 2 chain; minus strand). Cytogenetic location: 2q32.2.
Variant type: single nucleotide variant.
Coding change: c.976A>G on transcript NM_000393.5 (MANE Select); coding-DNA position 976, A replaced by G.
Protein change: p.Thr326Ala; replaces threonine 326 with alanine.
Molecular consequence: missense variant.
Genome position (GRCh38, 1-based): chr2:189,079,092, T>C on the plus strand (A>G on the coding strand, the complement: COL5A2 is on the minus strand). VCF-style: chr2-189079092-T-C. GRCh37 (hg19) VCF-style: chr2-189943818-T-C.
Other names: short protein forms T326A.
Identifiers: ClinVar variation 4751261 (VCV004751261.1).
Genomic context (GRCh38, chr2:189,079,092, plus strand): 5'-AAATTTAAGAAACAAGAAAACGAGCACATACCAGAGGACCCATGGCACCCATTGGACCAG[T>C]GGGGCCAGCTTCACCCTAAAAAAAAATGAGAATACATTACAGTATGAGAAGCCTACAACC-3'
Protein context (NP_000384.2, residues 316-336): APGSKGEAGP[Thr326Ala]GPMGAMGPLG